The following is an entry in ClinVar:

NM_001165967.2(HES7):c.184G>A (p.Ala62Thr)

Gene: HES7 (hes family bHLH transcription factor 7; minus strand). Cytogenetic location: 17p13.1.
Variant type: single nucleotide variant.
Coding change: c.184G>A on transcript NM_001165967.2 (MANE Select); coding-DNA position 184, G replaced by A.
Protein change: p.Ala62Thr; replaces alanine 62 with threonine.
Molecular consequence: missense variant.
Genome position (GRCh38, 1-based): chr17:8,122,385, C>T on the plus strand (G>A on the coding strand, the complement: HES7 is on the minus strand). VCF-style: chr17-8122385-C-T. GRCh37 (hg19) VCF-style: chr17-8025703-C-T.
Other names: c.184G>A, p.Ala62Thr (NM_032580.4); short protein forms A62T.
Identifiers: ClinVar variation 2866214 (VCV002866214.3), dbSNP rs368366222, ClinGen allele CA397989459.

ClinVar aggregate classification (germline): Uncertain significance (1 of 4 stars; one submission).

Submission:

Labcorp Genetics (formerly Invitae), Labcorp
Classification: Uncertain significance. Last evaluated: 2023-08-07. Review status: criteria provided, single submitter. Criteria: Invitae Variant Classification Sherloc (09022015). Collection method: clinical testing. Allele origin: germline.
Comment: In summary, the available evidence is currently insufficient to determine the role of this variant in disease. Therefore, it has been classified as a Variant of Uncertain Significance. An algorithm developed to predict the effect of missense changes on protein structure and function (PolyPhen-2) suggests that this variant is likely to be tolerated. This variant has not been reported in the literature in individuals affected with HES7-related conditions. The frequency data for this variant in the population databases is considered unreliable, as metrics indicate poor data quality at this position in the gnomAD database. This sequence change replaces alanine, which is neutral and non-polar, with threonine, which is neutral and polar, at codon 62 of the HES7 protein (p.Ala62Thr).